The following is an entry in ClinVar:

ClinVar aggregate classification (germline): Uncertain significance (1 of 4 stars; one submission).

Conditions:
Congenital muscular dystrophy due to integrin alpha-7 deficiency. Also called: Congenital muscular dystrophy with integrin alpha-7 deficiency; Muscular dystrophy, congenital, due to ITGA7 deficiency; MYOPATHY, CONGENITAL, DUE TO INTEGRIN ALPHA-7 DEFICIENCY. Identifiers: Orphanet 34520, MedGen C2750786, MONDO:0013177, OMIM 613204.

Allele frequency attached by ClinVar (database versions not stated): TOPMed 0.00002.
gnomAD v4.1: 11 of 1,613,536 alleles (0.00068%); highest among the groups gnomAD compares: East Asian, 0.0022%; no homozygotes.

Submission:

Labcorp Genetics (formerly Invitae), Labcorp
Classification: Uncertain significance for Congenital muscular dystrophy due to integrin alpha-7 deficiency. Last evaluated: 2022-06-20. Review status: criteria provided, single submitter. Criteria: Invitae Variant Classification Sherloc (09022015). Collection method: clinical testing. Allele origin: germline.
Comment: In summary, the available evidence is currently insufficient to determine the role of this variant in disease. Therefore, it has been classified as a Variant of Uncertain Significance. Algorithms developed to predict the effect of missense changes on protein structure and function are either unavailable or do not agree on the potential impact of this missense change (SIFT: "Tolerated"; PolyPhen-2: "Possibly Damaging"; Align-GVGD: "Class C0"). ClinVar contains an entry for this variant (Variation ID: 1017767). This variant has not been reported in the literature in individuals affected with ITGA7-related conditions. This variant is present in population databases (rs372579627, gnomAD 0.005%). This sequence change replaces alanine, which is neutral and non-polar, with threonine, which is neutral and polar, at codon 652 of the ITGA7 protein (p.Ala652Thr).

NM_002206.3(ITGA7):c.1954G>A (p.Ala652Thr)

Gene: ITGA7 (integrin subunit alpha 7; minus strand). Cytogenetic location: 12q13.2.
Variant type: single nucleotide variant.
Coding change: c.1954G>A on transcript NM_002206.3 (MANE Select); coding-DNA position 1954, G replaced by A.
Protein change: p.Ala652Thr; replaces alanine 652 with threonine.
Molecular consequence: missense variant.
Genome position (GRCh38, 1-based): chr12:55,695,571, C>T on the plus strand (G>A on the coding strand, the complement: ITGA7 is on the minus strand). VCF-style: chr12-55695571-C-T. GRCh37 (hg19) VCF-style: chr12-56089355-C-T.
Other names: c.1966G>A, p.Ala656Thr (NM_001144996.2); c.1675G>A, p.Ala559Thr (NM_001144997.2); c.1627G>A, p.Ala543Thr (NM_001367993.1); c.610G>A, p.Ala204Thr (NM_001367994.1); c.1936G>A, p.Ala646Thr (NM_001374465.1); c.2086G>A, p.Ala696Thr (NM_001410977.1); c.1948G>A, p.Ala650Thr (NM_001414029.1); c.1879G>A, p.Ala627Thr (NM_001414030.1); and 5 more; short protein forms A204T, A543T, A559T, A646T, A652T, A656T, A696T, A591T.
Identifiers: ClinVar variation 1017767 (VCV001017767.6), dbSNP rs372579627, ClinGen allele CA6615782.